The following is an entry in ClinVar:

ClinVar aggregate classification (germline): Uncertain significance. Review status: criteria provided, multiple submitters, no conflicts (2 of 4 stars). 4 submissions from 4 submitters: Uncertain significance (4). Last evaluated 2025-08-18.

Conditions:
Mosaic variegated aneuploidy syndrome 2 (MVA2). Identifiers: Orphanet 1052, MedGen C3279843, MONDO:0013582, OMIM 614114.
Inborn genetic diseases. Identifiers: MedGen C0950123, MeSH D030342.

Allele frequency attached by ClinVar (database versions not stated): gnomAD 0.00004; gnomAD exomes 0.00004 and 0.00018; ExAC 0.00011; TOPMed 0.00012.

Submissions (4):

Labcorp Genetics (formerly Invitae), Labcorp
Classification: Uncertain significance for Mosaic variegated aneuploidy syndrome 2. Last evaluated: 2025-08-18. Review status: criteria provided, single submitter. Criteria: Invitae Variant Classification Sherloc (09022015). Collection method: clinical testing. Allele origin: germline.
Comment: This sequence change replaces serine, which is neutral and polar, with proline, which is neutral and non-polar, at codon 34 of the CEP57 protein (p.Ser34Pro). This variant is present in population databases (rs760029883, gnomAD 0.1%). This variant has not been reported in the literature in individuals affected with CEP57-related conditions. ClinVar contains an entry for this variant (Variation ID: 950469). Invitae Evidence Modeling of protein sequence and biophysical properties (such as structural, functional, and spatial information, amino acid conservation, physicochemical variation, residue mobility, and thermodynamic stability) indicates that this missense variant is not expected to disrupt CEP57 protein function with a negative predictive value of 80%. In summary, the available evidence is currently insufficient to determine the role of this variant in disease. Therefore, it has been classified as a Variant of Uncertain Significance.

Ambry Genetics
Classification: Uncertain significance for Inborn genetic diseases. Last evaluated: 2024-11-22. Review status: criteria provided, single submitter. Criteria: Ambry Variant Classification Scheme 2023. Collection method: clinical testing. Allele origin: germline.
Comment: The p.S34P variant (also known as c.100T>C), located in coding exon 2 of the CEP57 gene, results from a T to C substitution at nucleotide position 100. The serine at codon 34 is replaced by proline, an amino acid with similar properties. This amino acid position is conserved. In addition, this alteration is predicted to be tolerated by in silico analysis. Based on the available evidence, the clinical significance of this variant remains unclear.

Fulgent Genetics
Classification: Uncertain significance for Mosaic variegated aneuploidy syndrome 2. Last evaluated: 2024-02-15. Review status: criteria provided, single submitter. Criteria: ACMG Guidelines, 2015. Collection method: clinical testing. Allele origin: germline.

Baylor Genetics
Classification: Uncertain significance for Mosaic variegated aneuploidy syndrome 2. Last evaluated: 2018-06-16. Review status: criteria provided, single submitter. Criteria: ACMG Guidelines, 2015. Collection method: clinical testing. Allele origin: maternal. Affected: yes.
Comment: This variant was determined to be of uncertain significance according to ACMG Guidelines, 2015 [PMID:25741868].

NM_014679.5(CEP57):c.100T>C (p.Ser34Pro)

Gene: CEP57 (centrosomal protein 57; plus strand). Cytogenetic location: 11q21.
Variant type: single nucleotide variant.
Coding change: c.100T>C on transcript NM_014679.5 (MANE Select); coding-DNA position 100, T replaced by C.
Protein change: p.Ser34Pro; replaces serine 34 with proline.
Molecular consequence: missense variant.
Genome position (GRCh38, 1-based): chr11:95,799,286, T>C. VCF-style: chr11-95799286-T-C. GRCh37 (hg19) VCF-style: chr11-95532450-T-C.
Other names: c.73T>C, p.Ser25Pro (NM_001243776.2); c.100T>C, p.Ser34Pro (NM_001243777.2); c.19T>C, p.Ser7Pro (NM_001363604.2); short protein forms S25P, S34P, S7P.
Identifiers: ClinVar variation 950469 (VCV000950469.12), dbSNP rs760029883, ClinGen allele CA6239365.
Genomic context (GRCh38, chr11:95,799,286, plus strand): 5'-TTTTAGAACAGCTTTGCTGAGCCATCAAGGTCTAATGGAAGCATGGTTCGGCATTCTTCA[T>C]CTCCATATGTAGTATATCCTTCGGATAAGCCTTTCCTTAATAGTGATCTACGACGCTCCC-3'
Protein context (NP_055494.2, residues 24-44): SNGSMVRHSS[Ser34Pro]PYVVYPSDKP